The following is an entry in ClinVar:

ClinVar aggregate classification (germline): Uncertain significance. Review status: criteria provided, multiple submitters, no conflicts (2 of 4 stars). 4 submissions from 4 submitters: Uncertain significance (3). 1 of the submissions does not count toward it. Last evaluated 2022-12-28.

Conditions:
Inborn genetic diseases. Identifiers: MedGen C0950123, MeSH D030342.
Hearing impairment. Also called: Impaired Hearing. Identifiers: MedGen C1384666, MONDO:0005365, HP:0000365.

Allele frequency attached by ClinVar (database versions not stated): gnomAD exomes 0.00003; TOPMed 0.00003; gnomAD 0.00005.
gnomAD v4.1: 42 of 1,609,042 alleles (0.0026%); highest among the groups gnomAD compares: Non-Finnish European, 0.0031%; 1 homozygote.

Submissions (4):

GeneDx
Classification: Uncertain significance. Last evaluated: 2022-12-28. Review status: criteria provided, single submitter. Criteria: GeneDx Variant Classification Process June 2021. Collection method: clinical testing. Allele origin: germline. Affected: yes.
Comment: Not observed at significant frequency in large population cohorts (gnomAD); In silico analysis supports that this missense variant has a deleterious effect on protein structure/function; Has not been previously published as pathogenic or benign to our knowledge

Ambry Genetics
Classification: Uncertain significance for Inborn genetic diseases. Last evaluated: 2022-04-08. Review status: criteria provided, single submitter. Criteria: Ambry Variant Classification Scheme 2023. Collection method: clinical testing. Allele origin: germline.

Department of Otolaryngology – Head & Neck Surgery, Cochlear Implant Center
Classification: Uncertain significance for Hearing impairment. Last evaluated: 2021-04-12. Review status: criteria provided, single submitter. Criteria: ClinGen HL ACMG Specifications v1. Collection method: clinical testing. Allele origin: germline. Affected: yes.
Comment: PM2_Moderate, PP3_Supporting, BP5_Supporting

Department of Pathology and Laboratory Medicine, Sinai Health System
Classification: Uncertain significance. Review status: no assertion criteria provided. Collection method: clinical testing. Allele origin: unknown. Affected: yes. Study: The Canadian Open Genetics Repository (COGR). Not counted in ClinVar's aggregate classification.
Comment: The OTOF p.Arg1143Gln variant was not identified in the literature nor was it identified in ClinVar. The variant was identified in dbSNP (ID: rs1330253297) and LOVD 3.0 (classified as a VUS). The variant was identified in control databases in 8 of 277950 chromosomes at a frequency of 0.00002878 (Genome Aggregation Database March 6, 2019, v2.1.1). The variant was observed in the European (non-Finnish) population in 8 of 127520 chromosomes (freq: 0.000063), but was not observed in the African, Latino, Ashkenazi Jewish, East Asian, European (Finnish), Other, or South Asian populations. The p.Arg1143 residue is conserved in mammals and computational analyses (PolyPhen-2, SIFT, AlignGVGD, BLOSUM, MutationTaster) provide inconsistent predictions regarding the impact to the protein; this information is not very predictive of pathogenicity. The variant occurs outside of the splicing consensus sequence and three of four in silico or computational prediction software programs (SpliceSiteFinder, MaxEntScan, NNSPLICE, GeneSplicer) predict a greater than 10% difference in splicing. However, this has not been confirmed by RNA analysis and is not predictive enough to assume pathogenicity. In summary, based on the above information the clinical significance of this variant cannot be determined with certainty at this time. This variant is classified as a variant of uncertain significance.

NM_194248.3(OTOF):c.3428G>A (p.Arg1143Gln)

Gene: OTOF (otoferlin; minus strand). Cytogenetic location: 2p23.3.
Variant type: single nucleotide variant.
Coding change: c.3428G>A on transcript NM_194248.3 (MANE Select); coding-DNA position 3428, G replaced by A.
Protein change: p.Arg1143Gln; replaces arginine 1143 with glutamine.
Molecular consequence: missense variant.
Genome position (GRCh38, 1-based): chr2:26,473,548, C>T on the plus strand (G>A on the coding strand, the complement: OTOF is on the minus strand). VCF-style: chr2-26473548-C-T. GRCh37 (hg19) VCF-style: chr2-26696416-C-T.
Other names: c.3428G>A, p.Arg1143Gln (NM_001287489.2); c.1187G>A, p.Arg396Gln (NM_004802.4, NM_194323.3); c.1358G>A, p.Arg453Gln (NM_194322.3); c.3428G>A (NM_194248.2); short protein forms R1143Q, R396Q, R453Q.
Identifiers: ClinVar variation 1050348 (VCV001050348.7), dbSNP rs1330253297, ClinGen allele CA346105524.
Genomic context (GRCh38, chr2:26,473,548, plus strand): 5'-GCACACTCGATGTCCACCCGTGGCCGGTCCACCTGGGCCAGGTTCACCCGCTTTAGGTCC[C>T]GTAGGCCCCAGAACAGCACCTGGGAGAGGTTGGAGGGTGGGTGCAGAGAAGAGAGCCCCT-3'
Protein context (NP_919224.1, residues 1133-1153): YRVEVLFWGL[Arg1143Gln]DLKRVNLAQV